The following is an entry in ClinVar:

NM_006486.3(FBLN1):c.1321+6G>C

Gene: FBLN1 (fibulin 1; plus strand). Cytogenetic location: 22q13.31.
Variant type: single nucleotide variant.
Coding change: c.1321+6G>C on transcript NM_006486.3 (MANE Select); 6 bases into the intron after coding-DNA position 1321, G replaced by C.
Molecular consequence: intron variant.
Genome position (GRCh38, 1-based): chr22:45,543,532, G>C. VCF-style: chr22-45543532-G-C. GRCh37 (hg19) VCF-style: chr22-45939412-G-C.
Other names: c.1321+6G>C (NM_006485.4, NM_001996.4, NM_006487.3).
Identifiers: ClinVar variation 2653290 (VCV002653290.24), dbSNP rs1569247969, ClinGen allele CA2408303638.

ClinVar aggregate classification (germline): Likely benign (1 of 4 stars; one submission).

Allele frequency attached by ClinVar (database versions not stated): gnomAD exomes below 0.00001.
gnomAD v4.1: 1 of 1,612,518 alleles (0.000062%); highest among the groups gnomAD compares: East Asian, 0.0022%; no homozygotes.

Submission:

CeGaT Center for Human Genetics Tuebingen
Classification: Likely benign. Last evaluated: 2023-02-01. Review status: criteria provided, single submitter. Criteria: CeGaT Center For Human Genetics Tuebingen Variant Classification Criteria Version 2. Collection method: clinical testing. Allele origin: germline. Affected: yes. Observed: 1 variant allele.
Comment: FBLN1: BP4